The following is an entry in ClinVar:

ClinVar aggregate classification (germline): Likely pathogenic (1 of 4 stars; one submission).

Conditions:
Infantile-onset ascending hereditary spastic paralysis (IAHSP). Also called: Infantile-Onset Ascending Hereditary Spastic Paralysis (IAHSP); Autosomal Recessive Juvenile Amyotrophic Lateral Sclerosis. Identifiers: Orphanet 293168, MedGen C2931441, MONDO:0011797, OMIM 607225. Disease mechanism: loss of function.

gnomAD v4.1: 3 of 1,613,866 alleles (0.00019%); highest among the groups gnomAD compares: Non-Finnish European, 0.00017%; no homozygotes.

Submission:

Labcorp Genetics (formerly Invitae), Labcorp
Classification: Likely pathogenic for Infantile-onset ascending hereditary spastic paralysis. Last evaluated: 2024-11-18. Review status: criteria provided, single submitter. Criteria: Invitae Variant Classification Sherloc (09022015). Collection method: clinical testing. Allele origin: germline.
Comment: This sequence change affects an acceptor splice site in intron 18 of the ALS2 gene. It is expected to disrupt RNA splicing. Variants that disrupt the donor or acceptor splice site typically lead to a loss of protein function (PMID: 16199547), and loss-of-function variants in ALS2 are known to be pathogenic (PMID: 11586298, 24315819). This variant is present in population databases (no rsID available, gnomAD 0.007%). This variant has not been reported in the literature in individuals affected with ALS2-related conditions. Algorithms developed to predict the effect of sequence changes on RNA splicing suggest that this variant may disrupt the consensus splice site. In summary, the currently available evidence indicates that the variant is pathogenic, but additional data are needed to prove that conclusively. Therefore, this variant has been classified as Likely Pathogenic.

Literature cited by the submitters: PubMed 16199547; PubMed 11586298; PubMed 24315819.

NM_020919.4(ALS2):c.3183-2A>G

Gene: ALS2 (alsin Rho guanine nucleotide exchange factor ALS2; minus strand). Cytogenetic location: 2q33.1.
Variant type: single nucleotide variant.
Coding change: c.3183-2A>G on transcript NM_020919.4 (MANE Select); the canonical splice acceptor site of the intron before coding-DNA position 3183, A replaced by G.
Molecular consequence: splice acceptor variant.
Genome position (GRCh38, 1-based): chr2:201,726,551, T>C on the plus strand (A>G on the coding strand, the complement: ALS2 is on the minus strand). VCF-style: chr2-201726551-T-C. GRCh37 (hg19) VCF-style: chr2-202591274-T-C.
Other names: c.3183-2A>G (NM_001410975.1).
Identifiers: ClinVar variation 3647256 (VCV003647256.2).